The following is an entry in ClinVar:

ClinVar aggregate classification (germline): Likely benign (0 of 4 stars; one submission).

Conditions:
NPM1-related disorder. Also called: NPM1-related condition.

Submission:

PreventionGenetics, part of Exact Sciences
Classification: Likely benign for NPM1-related condition. Last evaluated: 2024-04-03. Review status: no assertion criteria provided. Collection method: clinical testing. Allele origin: germline.
Comment: This variant is classified as likely benign based on ACMG/AMP sequence variant interpretation guidelines (Richards et al. 2015 PMID: 25741868, with internal and published modifications).

NM_002520.7(NPM1):c.192A>G (p.Ala64=)

Gene: NPM1 (nucleophosmin 1; plus strand). Cytogenetic location: 5q35.1.
Variant type: single nucleotide variant.
Coding change: c.192A>G on transcript NM_002520.7 (MANE Select); coding-DNA position 192, A replaced by G.
Protein change: p.Ala64=; no amino-acid change (alanine 64 retained).
Molecular consequence: synonymous variant. On other transcripts: 5 prime UTR variant (1), non-coding transcript variant (1), intron variant (1).
Genome position (GRCh38, 1-based): chr5:171,391,358, A>G. VCF-style: chr5-171391358-A-G. GRCh37 (hg19) VCF-style: chr5-170818362-A-G.
Other names: c.192A>G, p.Ala64= (NM_001037738.3, NM_001355006.2, NM_001355009.2 and 1 more transcripts); c.-1A>G (NM_001355007.2); c.59-1352A>G (NM_001355010.2).
Identifiers: ClinVar variation 3344581 (VCV003344581.1).